The following is an entry in ClinVar:

ClinVar aggregate classification (germline): Uncertain significance. Review status: criteria provided, multiple submitters, no conflicts (2 of 4 stars). 2 submissions from 2 submitters: Uncertain significance (2). Last evaluated 2024-06-03.

Conditions:
Early-infantile DEE. Also called: Early infantile epileptic encephalopathy; Ohtahara syndrome; Early infantile epileptic encephalopathy with suppression bursts. Identifiers: Orphanet 1934, MedGen C0393706, MONDO:0800491.
Cerebellar atrophy with seizures and variable developmental delay. Identifiers: MedGen C5193132, MONDO:0032788, OMIM 618501.

Allele frequency attached by ClinVar (database versions not stated): gnomAD exomes 0.00001.

Submissions (2):

Labcorp Genetics (formerly Invitae), Labcorp
Classification: Uncertain significance for Early-infantile DEE. Last evaluated: 2024-06-03. Review status: criteria provided, single submitter. Criteria: Invitae Variant Classification Sherloc (09022015). Collection method: clinical testing. Allele origin: germline.
Comment: This sequence change replaces proline, which is neutral and non-polar, with serine, which is neutral and polar, at codon 243 of the CACNA2D2 protein (p.Pro243Ser). This variant is not present in population databases (gnomAD no frequency). This variant has not been reported in the literature in individuals affected with CACNA2D2-related conditions. ClinVar contains an entry for this variant (Variation ID: 1419472). An algorithm developed to predict the effect of missense changes on protein structure and function (PolyPhen-2) suggests that this variant is likely to be disruptive. In summary, the available evidence is currently insufficient to determine the role of this variant in disease. Therefore, it has been classified as a Variant of Uncertain Significance.

Fulgent Genetics
Classification: Uncertain significance for Cerebellar atrophy with seizures and variable developmental delay. Last evaluated: 2021-12-17. Review status: criteria provided, single submitter. Criteria: ACMG Guidelines, 2015. Collection method: clinical testing. Allele origin: unknown.

NM_006030.4(CACNA2D2):c.727C>T (p.Pro243Ser)

Gene: CACNA2D2 (calcium voltage-gated channel auxiliary subunit alpha2delta 2; minus strand). Cytogenetic location: 3p21.31.
Variant type: single nucleotide variant.
Coding change: c.727C>T on transcript NM_006030.4 (MANE Select); coding-DNA position 727, C replaced by T.
Protein change: p.Pro243Ser; replaces proline 243 with serine.
Molecular consequence: missense variant.
Genome position (GRCh38, 1-based): chr3:50,381,052, G>A on the plus strand (C>T on the coding strand, the complement: CACNA2D2 is on the minus strand). VCF-style: chr3-50381052-G-A. GRCh37 (hg19) VCF-style: chr3-50418483-G-A.
Other names: c.727C>T, p.Pro243Ser (NM_001005505.3, NM_001174051.3); c.520C>T, p.Pro174Ser (NM_001291101.1); short protein forms P174S, P243S.
Identifiers: ClinVar variation 1419472 (VCV001419472.10), dbSNP rs2106670030, ClinGen allele CA352939953.